The following is an entry in ClinVar:

NM_001079866.2(BCS1L):c.231_232del (p.Ser78fs)

Gene: BCS1L (BCS1 ubiquinol-cytochrome c reductase complex chaperone; plus strand). Cytogenetic location: 2q35.
Variant type: Deletion.
Coding change: c.231_232del on transcript NM_001079866.2 (MANE Select); coding-DNA positions 231 to 232, 2 bases deleted (CA; older notation c.231_232delCA).
Protein change: p.Ser78fs; shifts the reading frame from serine 78.
Molecular consequence: frameshift variant. On other transcripts: 5 prime UTR variant (5), non-coding transcript variant (1), intron variant (3).
Genome position (GRCh38, 1-based): chr2:218,661,218-218,661,219, CA deleted. VCF-style (leftmost placement, unchanged base first): chr2-218661217-TCA-T. GRCh37 (hg19) VCF-style: chr2-219525940-TCA-T.
Other names: c.231_232del, p.Ser78fs (NM_001257342.2, NM_001257343.2, NM_001257344.2 and 10 more transcripts); c.-246_-245del (NM_001371453.1, NM_001371454.1, NM_001371455.1 and 2 more transcripts); c.231_232delCA, p.Ser78Cysfs (NM_004328.4); c.-40-188_-40-187del (NM_001371451.1, NM_001318836.2); c.-41-541_-41-540del (NM_001371452.1); short protein forms S78fs.
Identifiers: ClinVar variation 4815340 (VCV004815340.1).
Genomic context (GRCh38, chr2:218,661,217, plus strand): 5'-ACAGGAGCTATGCCTGGTTGCTTAGCTGGCTCACCCGCCACAGTACCCGTACTCAGCACC[TCA>T]GTGTCGAGACTTCGTACCTTCAGCATGAGAGTGGCCGCATTTCCACTAAGTTTGAATTTG-3'

ClinVar aggregate classification (germline): Likely pathogenic (1 of 4 stars; one submission).

Conditions:
GRACILE syndrome (FLNMS). Also called: FELLMAN SYNDROME; FINNISH LETHAL NEONATAL METABOLIC SYNDROME. Identifiers: Orphanet 53693, MedGen C1864002, MONDO:0011308, OMIM 603358.

Submission:

Natera, Inc.
Classification: Likely pathogenic for GRACILE syndrome. Last evaluated: 2024-07-10. Review status: criteria provided, single submitter. Criteria: Natera Variant Classification Schema (03/2026). Collection method: clinical testing. Allele origin: germline.
Comment: The c.231_232del variant in BCS1L is a frameshift variant predicted to shift the reading frame beginning at codon 78 and leads to a stop codon 9 codons downstream. This variant is expected to result in nonsense mediated decay, truncation, or a dysfunctional protein product. This variant is rare in the general population with a frequency below the threshold expected for the associated phenotype(s). Given the available evidence, this variant is classified as Likely Pathogenic.